The following is an entry in ClinVar:

NM_001393504.1(MAST3):c.1227C>T (p.Ala409=)

Gene: MAST3 (microtubule associated serine/threonine kinase 3; plus strand). Cytogenetic location: 19p13.11.
Variant type: single nucleotide variant.
Coding change: c.1227C>T on transcript NM_001393504.1 (MANE Select); coding-DNA position 1227, C replaced by T.
Protein change: p.Ala409=; no amino-acid change (alanine 409 retained).
Molecular consequence: synonymous variant.
Genome position (GRCh38, 1-based): chr19:18,130,497, C>T. VCF-style: chr19-18130497-C-T. GRCh37 (hg19) VCF-style: chr19-18241307-C-T.
Other names: c.1251C>T, p.Ala417= (NM_001393501.1); c.1230C>T, p.Ala410= (NM_001393502.1); c.1227C>T, p.Ala409= (NM_001393503.1); c.1224C>T, p.Ala408= (NM_001393505.1); c.1179C>T, p.Ala393= (NM_001393506.1, NM_001393513.1); c.1206C>T, p.Ala402= (NM_001393507.1); c.1161C>T, p.Ala387= (NM_001393508.1, NM_001393516.1); c.1158C>T, p.Ala386= (NM_001393509.1, NM_001393510.1, NM_001393512.1 and 2 more transcripts); and 4 more.
Identifiers: ClinVar variation 4978993 (VCV004978993.1).

ClinVar aggregate classification (germline): Likely benign (1 of 4 stars; one submission).

Conditions:
MAST3-related disorder.

gnomAD v4.1: 8 of 1,595,848 alleles (0.0005%); highest among the groups gnomAD compares: Admixed American, 0.0088%; no homozygotes.

Submission:

PreventionGenetics, part of Exact Sciences
Classification: Likely benign for MAST3-related condition. Last evaluated: 2026-03-26. Review status: criteria provided, single submitter. Criteria: ACMG Guidelines, 2015. Collection method: clinical testing. Allele origin: germline.
Comment: This variant is classified as likely benign based on ACMG/AMP sequence variant interpretation guidelines (Richards et al. 2015 PMID: 25741868, with internal and published modifications).